The following is an entry in ClinVar:

ClinVar aggregate classification (germline): Pathogenic (1 of 4 stars; one submission).

Submission:

Labcorp Genetics (formerly Invitae), Labcorp
Classification: Pathogenic. Last evaluated: 2023-08-09. Review status: criteria provided, single submitter. Criteria: Invitae Variant Classification Sherloc (09022015). Collection method: clinical testing. Allele origin: germline.
Comment: For these reasons, this variant has been classified as Pathogenic. This sequence change creates a premature translational stop signal (p.Ile1191Serfs*22) in the SI gene. It is expected to result in an absent or disrupted protein product. Loss-of-function variants in SI are known to be pathogenic (PMID: 16329100, 23103650, 25452324). This variant is not present in population databases (gnomAD no frequency). This variant has not been reported in the literature in individuals affected with SI-related conditions.

Literature cited by the submitters: PubMed 16329100; PubMed 23103650; PubMed 25452324.

NM_001041.4(SI):c.3570del (p.Ile1191fs)

Gene: SI (sucrase-isomaltase; minus strand). Cytogenetic location: 3q26.1.
Variant type: Deletion.
Coding change: c.3570del on transcript NM_001041.4 (MANE Select); coding-DNA position 3570, one base deleted (G; older notation c.3570delG).
Protein change: p.Ile1191fs; shifts the reading frame from isoleucine 1191.
Molecular consequence: frameshift variant.
Genome position (GRCh38, 1-based): chr3:165,017,824, C deleted on the plus strand (G on the coding strand, the reverse complement: SI is on the minus strand); the first of 3 consecutive C bases (chr3:165,017,824-165,017,826); deleting any one gives the same sequence. VCF-style (leftmost placement, unchanged base first): chr3-165017823-TC-T. GRCh37 (hg19) VCF-style: chr3-164735611-TC-T.
Other names: short protein forms I1191fs.
Identifiers: ClinVar variation 2740097 (VCV002740097.3), dbSNP rs1301054864, ClinGen allele CA901993809.